The following is an entry in ClinVar:

NM_212550.5(BLOC1S3):c.86G>C (p.Arg29Pro)

Gene: BLOC1S3 (biogenesis of lysosomal organelles complex 1 subunit 3; plus strand). Cytogenetic location: 19q13.32.
Variant type: single nucleotide variant.
Coding change: c.86G>C on transcript NM_212550.5 (MANE Select); coding-DNA position 86, G replaced by C.
Protein change: p.Arg29Pro; replaces arginine 29 with proline.
Molecular consequence: missense variant.
Genome position (GRCh38, 1-based): chr19:45,179,382, G>C. VCF-style: chr19-45179382-G-C. GRCh37 (hg19) VCF-style: chr19-45682640-G-C.
Other names: c.86G>C (NM_212550.3); short protein forms R29P.
Identifiers: ClinVar variation 1449613 (VCV001449613.7), dbSNP rs370018943, ClinGen allele CA9510209.

ClinVar aggregate classification (germline): Conflicting classifications of pathogenicity. Review status: criteria provided, conflicting classifications (1 of 4 stars). 3 submissions from 3 submitters: Uncertain significance (2); Likely benign (1). Last evaluated 2024-07-18.

Conditions:
Inborn genetic diseases. Identifiers: MedGen C0950123, MeSH D030342.

Allele frequency attached by ClinVar (database versions not stated): ExAC 0.00003; gnomAD 0.00003 and 0.00004; gnomAD exomes 0.00004; ESP Exome Variant Server 0.00008.
gnomAD v4.1: 70 of 1,581,226 alleles (0.0044%); highest among the groups gnomAD compares: Non-Finnish European, 0.0054%; no homozygotes.

Submissions (3):

Blueprint Genetics
Classification: Uncertain significance. Last evaluated: 2024-07-18. Review status: criteria provided, single submitter. Criteria: ACMG Guidelines, 2015. Collection method: clinical testing. Allele origin: germline.

Ambry Genetics
Classification: Likely benign for Inborn genetic diseases. Last evaluated: 2024-03-21. Review status: criteria provided, single submitter. Criteria: Ambry Variant Classification Scheme 2023. Collection method: clinical testing. Allele origin: germline.

Labcorp Genetics (formerly Invitae), Labcorp
Classification: Uncertain significance. Last evaluated: 2021-09-01. Review status: criteria provided, single submitter. Criteria: Invitae Variant Classification Sherloc (09022015). Collection method: clinical testing. Allele origin: germline.
Comment: This sequence change replaces arginine with proline at codon 29 of the BLOC1S3 protein (p.Arg29Pro). The arginine residue is weakly conserved and there is a moderate physicochemical difference between arginine and proline. This variant is present in population databases (rs370018943, ExAC 0.005%). This variant has not been reported in the literature in individuals affected with BLOC1S3-related conditions. Algorithms developed to predict the effect of missense changes on protein structure and function output the following: SIFT: "Tolerated"; PolyPhen-2: "Benign"; Align-GVGD: "Class C0". The proline amino acid residue is found in multiple mammalian species, which suggests that this missense change does not adversely affect protein function. In summary, the available evidence is currently insufficient to determine the role of this variant in disease. Therefore, it has been classified as a Variant of Uncertain Significance.